The following is an entry in ClinVar:

NM_016239.4(MYO15A):c.2348C>G (p.Ser783Trp)

Gene: MYO15A (myosin XVA; plus strand). Cytogenetic location: 17p11.2.
Variant type: single nucleotide variant.
Coding change: c.2348C>G on transcript NM_016239.4 (MANE Select); coding-DNA position 2348, C replaced by G.
Protein change: p.Ser783Trp; replaces serine 783 with tryptophan.
Molecular consequence: missense variant.
Genome position (GRCh38, 1-based): chr17:18,121,148, C>G. VCF-style: chr17-18121148-C-G. GRCh37 (hg19) VCF-style: chr17-18024462-C-G.
Other names: short protein forms S783W.
Identifiers: ClinVar variation 1801140 (VCV001801140.1), dbSNP rs2045918653, ClinGen allele CA398583858.

ClinVar aggregate classification (germline): Uncertain significance (1 of 4 stars; one submission).

Allele frequency attached by ClinVar (database versions not stated): TOPMed below 0.00001.
gnomAD v4.1: 14 of 1,510,846 alleles (0.00093%); highest among the groups gnomAD compares: Non-Finnish European, 0.0011%; no homozygotes.

Submission:

GeneDx
Classification: Uncertain significance. Last evaluated: 2022-05-26. Review status: criteria provided, single submitter. Criteria: GeneDx Variant Classification Process June 2021. Collection method: clinical testing. Allele origin: germline. Affected: yes.
Comment: Not observed at significant frequency in large population cohorts (gnomAD); In silico analysis supports that this missense variant does not alter protein structure/function; Has not been previously published as pathogenic or benign to our knowledge